The following is an entry in ClinVar:

NM_006231.4(POLE):c.2656C>G (p.Pro886Ala)

Gene: POLE (DNA polymerase epsilon, catalytic subunit; minus strand). Cytogenetic location: 12q24.33.
Variant type: single nucleotide variant.
Coding change: c.2656C>G on transcript NM_006231.4 (MANE Select); coding-DNA position 2656, C replaced by G.
Protein change: p.Pro886Ala; replaces proline 886 with alanine.
Molecular consequence: missense variant.
Genome position (GRCh38, 1-based): chr12:132,664,054, G>C on the plus strand (C>G on the coding strand, the complement: POLE is on the minus strand). VCF-style: chr12-132664054-G-C. GRCh37 (hg19) VCF-style: chr12-133240640-G-C.
Other names: short protein forms P886A.
Identifiers: ClinVar variation 851454 (VCV000851454.12), dbSNP rs1393738781, ClinGen allele CA387395363.

ClinVar aggregate classification (germline): Uncertain significance. Review status: criteria provided, multiple submitters, no conflicts (2 of 4 stars). 2 submissions from 2 submitters: Uncertain significance (2). Last evaluated 2024-04-17.

Conditions:
Hereditary cancer-predisposing syndrome. Also called: Tumor predisposition; Neoplastic Syndromes, Hereditary; Hereditary neoplastic syndrome; Hereditary Cancer Syndrome. Identifiers: Orphanet 140162, MedGen C0027672, MeSH D009386, MONDO:0015356.

Submissions (2):

Labcorp Genetics (formerly Invitae), Labcorp
Classification: Uncertain significance. Last evaluated: 2024-04-17. Review status: criteria provided, single submitter. Criteria: Invitae Variant Classification Sherloc (09022015). Collection method: clinical testing. Allele origin: germline.
Comment: This sequence change replaces proline, which is neutral and non-polar, with alanine, which is neutral and non-polar, at codon 886 of the POLE protein (p.Pro886Ala). This variant is not present in population databases (gnomAD no frequency). This variant has not been reported in the literature in individuals affected with POLE-related conditions. ClinVar contains an entry for this variant (Variation ID: 851454). An algorithm developed to predict the effect of missense changes on protein structure and function (PolyPhen-2) suggests that this variant is likely to be tolerated. In summary, the available evidence is currently insufficient to determine the role of this variant in disease. Therefore, it has been classified as a Variant of Uncertain Significance.

Ambry Genetics
Classification: Uncertain significance for Hereditary cancer-predisposing syndrome. Last evaluated: 2021-12-13. Review status: criteria provided, single submitter. Criteria: Ambry Variant Classification Scheme 2023. Collection method: clinical testing. Allele origin: germline.
Comment: The p.P886A variant (also known as c.2656C>G), located in coding exon 23 of the POLE gene, results from a C to G substitution at nucleotide position 2656. The proline at codon 886 is replaced by alanine, an amino acid with highly similar properties. This amino acid position is conserved. In addition, the in silico prediction for this alteration is inconclusive. Since supporting evidence is limited at this time, the clinical significance of this alteration remains unclear.